The following is an entry in ClinVar:

ClinVar aggregate classification (germline): Likely pathogenic (1 of 4 stars; one submission).

Conditions:
Alexander disease (ALXDRD). Also called: Alexander's disease. Identifiers: Orphanet 58, MedGen C0270726, MONDO:0008752, OMIM 203450.

Submission:

3billion
Classification: Likely pathogenic for Alexander disease. Last evaluated: 2023-11-21. Review status: criteria provided, single submitter. Criteria: ACMG Guidelines, 2015. Collection method: clinical testing. Allele origin: germline. Affected: yes.
Comment: The variant is not observed in the gnomAD v2.1.1 dataset. Predicted Consequence/Location: The variant is located in a mutational hot spot and/or well-established functional domain in which established pathogenic variants have been reported. Missense changes are a common disease-causing mechanism. In silico tool predictions suggest damaging effect of the variant on gene or gene product [REVEL: 0.92 (>=0.6, sensitivity 0.68 and specificity 0.92); 3Cnet: 0.99 (>=0.6, sensitivity 0.72 and precision 0.9)]. A different missense change at the same codon (p.Ala81Asp) has been reported to be associated with GFAP- related disorder (ClinVar ID: VCV000637027 /PMID: 34008892). Therefore, this variant is classified as Likely pathogenic according to the recommendation of ACMG/AMP guideline.

Literature cited by the submitters: PubMed 34008892.

NM_002055.5(GFAP):c.241G>C (p.Ala81Pro)

Gene: GFAP (glial fibrillary acidic protein; minus strand). Cytogenetic location: 17q21.31.
Variant type: single nucleotide variant.
Coding change: c.241G>C on transcript NM_002055.5 (MANE Select); coding-DNA position 241, G replaced by C.
Protein change: p.Ala81Pro; replaces alanine 81 with proline.
Molecular consequence: missense variant.
Genome position (GRCh38, 1-based): chr17:44,915,246, C>G on the plus strand (G>C on the coding strand, the complement: GFAP is on the minus strand). VCF-style: chr17-44915246-C-G. GRCh37 (hg19) VCF-style: chr17-42992614-C-G.
Other names: c.241G>C, p.Ala81Pro (NM_001131019.3, NM_001242376.3, NM_001363846.2); short protein forms A81P.
Identifiers: ClinVar variation 3775201 (VCV003775201.1).
Genomic context (GRCh38, chr17:44,915,246, plus strand): 5'-GCTCAGCAGCCAGCGCCTTGTTTTGCTGTTCCAGGAAGCGAACCTTCTCGATGTAGCTGG[C>G]AAAGCGGTCATTGAGCTCCATCATCTCTGCCCGCTCACTGGCCCGGGTCTCCTTGAAGCC-3'
Protein context (NP_002046.1, residues 71-91): AEMMELNDRF[Ala81Pro]SYIEKVRFLE